The following is an entry in ClinVar:

NM_014000.3(VCL):c.562C>T (p.Arg188Ter)

Gene: VCL (vinculin; plus strand). Cytogenetic location: 10q22.2.
Variant type: single nucleotide variant.
Coding change: c.562C>T on transcript NM_014000.3 (MANE Select); coding-DNA position 562, C replaced by T.
Protein change: p.Arg188Ter; replaces arginine 188 with a stop codon.
Molecular consequence: nonsense.
Genome position (GRCh38, 1-based): chr10:74,072,792, C>T. VCF-style: chr10-74072792-C-T. GRCh37 (hg19) VCF-style: chr10-75832550-C-T.
Other names: p.R188*:CGA>TGA; c.562C>T, p.Arg188Ter (NM_003373.4); short protein forms R188*.
Identifiers: ClinVar variation 45615 (VCV000045615.20), dbSNP rs397517244, ClinGen allele CA261761.
Genomic context (GRCh38, chr10:74,072,792, plus strand): 5'-ATGACTAAGATGGCCAAGATGATTGACGAGAGACAGCAGGAGCTCACTCACCAGGAGCAC[C>T]GAGTGATGTTGGTGAACTCGATGAACACCGTGAAAGAGTTGCTGCCAGTTCTCATTTCAG-3'

ClinVar aggregate classification (germline): Conflicting classifications of pathogenicity. Review status: criteria provided, conflicting classifications (1 of 4 stars). 5 submissions from 5 submitters: Likely pathogenic (1); Uncertain significance (4). Last evaluated 2026-02-03.

Conditions:
Cardiovascular phenotype. Identifiers: MedGen CN230736.
Dilated cardiomyopathy 1W (CMD1W). Identifiers: Orphanet 154, MedGen C1969639, MONDO:0012667, OMIM 611407.
Primary dilated cardiomyopathy (DCM). Also called: Dilated Cardiomyopathy. Identifiers: Orphanet 217604, MedGen C0007193, MeSH D002311, MONDO:0005021, HP:0001644. Inheritance: Various modes of inheritance.

Allele frequency attached by ClinVar (database versions not stated): gnomAD 0.00001; gnomAD exomes 0.00001 and 0.00002; TOPMed 0.00003.
gnomAD v4.1: 32 of 1,613,888 alleles (0.002%); highest among the groups gnomAD compares: Non-Finnish European, 0.0025%; no homozygotes.

Submissions (5):

GeneDx
Classification: Uncertain significance. Last evaluated: 2026-02-03. Review status: criteria provided, single submitter. Criteria: GeneDx Variant Classification Process June 2021. Collection method: clinical testing. Allele origin: germline. Affected: yes.
Comment: Nonsense variant predicted to result in protein truncation or nonsense mediated decay in a gene or region of a gene for which loss of function is not a well-established mechanism of disease; Not observed at significant frequency in large population cohorts (gnomAD); This variant is associated with the following publications: (PMID: 32516855, 34935411, 24503780, 27532257)

Ambry Genetics
Classification: Uncertain significance for Cardiovascular phenotype. Last evaluated: 2026-01-08. Review status: criteria provided, single submitter. Criteria: Ambry Variant Classification Scheme 2023. Collection method: clinical testing. Allele origin: germline.
Comment: The p.R188* variant (also known as c.562C>T), located in coding exon 5 of the VCL gene, results from a C to T substitution at nucleotide position 562. This changes the amino acid from an arginine to a stop codon within coding exon 5. This variant was reported in individual(s) with features consistent with dilated cardiomyopathy (DCM) (Pugh TJ et al. Genet Med, 2014 Aug;16:601-8; Hawley MH et al. Hum Mutat, 2020 Sep;41:1577-1587; Khan RS et al. J Am Heart Assoc, 2022 Jan;11:e022854). This alteration is expected to result in protein truncation or nonsense-mediated mRNA decay. However, loss of function has not been established as a mechanism of disease. Based on the available evidence, the clinical significance of this alteration remains unclear.

Labcorp Genetics (formerly Invitae), Labcorp
Classification: Uncertain significance for Dilated cardiomyopathy 1W. Last evaluated: 2025-11-18. Review status: criteria provided, single submitter. Criteria: Invitae Variant Classification Sherloc (09022015). Collection method: clinical testing. Allele origin: germline.
Comment: This sequence change creates a premature translational stop signal (p.Arg188*) in the VCL gene. It is expected to result in an absent or disrupted protein product. However, the current clinical and genetic evidence is not sufficient to establish whether loss-of-function variants in VCL cause disease. This variant is present in population databases (rs397517244, gnomAD 0.003%). This premature translational stop signal has been observed in individual(s) with VCL-related conditions (PMID: 24503780, 32516855, 34935411). ClinVar contains an entry for this variant (Variation ID: 45615). In summary, the available evidence is currently insufficient to determine the role of this variant in disease. Therefore, it has been classified as a Variant of Uncertain Significance.

Blueprint Genetics
Classification: Uncertain significance. Last evaluated: 2022-01-27. Review status: criteria provided, single submitter. Criteria: ACMG Guidelines, 2015. Collection method: clinical testing. Allele origin: germline.

Laboratory for Molecular Medicine, Mass General Brigham Personalized Medicine
Classification: Likely pathogenic for Primary dilated cardiomyopathy. Last evaluated: 2010-06-17. Review status: criteria provided, single submitter. Criteria: LMM Criteria. Collection method: clinical testing. Allele origin: germline. Observed: 4 variant alleles.
Comment: The Arg188X variant has not been reported in the literature. However, it leads t o a premature stop at codon 188. This alteration is predicted to lead to a trunc ated or absent protein. A pathogenic role of nonsense variants in the VCL gene i s supported by one study reported a reduction in VCL expression in an individual with cardiomyopathy carrying a VCL variant (Vasile 2006). In addition, our labo ratory has identified nonsense variants in VCL in 4/14 cardiomyopathy probands. In summary, the Arg188X variant is likely to be pathogenic.

Literature cited by the submitters: PubMed 24503780 (cited by Ambry Genetics and Labcorp Genetics (formerly Invitae), Labcorp); PubMed 32516855 (cited by Ambry Genetics and Labcorp Genetics (formerly Invitae), Labcorp); PubMed 34935411 (cited by Ambry Genetics and Labcorp Genetics (formerly Invitae), Labcorp); PubMed 16949038 (cited by Laboratory for Molecular Medicine, Mass General Brigham Personalized Medicine).